The following is an entry in ClinVar:

NM_201384.3(PLEC):c.342+13G>A

Gene: PLEC (plectin; minus strand). Cytogenetic location: 8q24.3.
Variant type: single nucleotide variant.
Coding change: c.342+13G>A on transcript NM_201384.3 (MANE Select); 13 bases into the intron after coding-DNA position 342, G replaced by A.
Molecular consequence: intron variant.
Genome position (GRCh38, 1-based): chr8:143,937,152, C>T on the plus strand (G>A on the coding strand, the complement: PLEC is on the minus strand). VCF-style: chr8-143937152-C-T. GRCh37 (hg19) VCF-style: chr8-145011320-C-T.
Other names: c.423+13G>A (NM_000445.5); c.300+13G>A (NM_201378.4); c.276+13G>A (NM_201379.3); c.753+13G>A (NM_201380.4); c.246+13G>A (NM_201381.3); c.342+13G>A (NM_201382.4); c.354+13G>A (NM_201383.3).
Identifiers: ClinVar variation 227019 (VCV000227019.16), dbSNP rs115664009, ClinGen allele CA4928487.
Genomic context (GRCh38, chr8:143,937,152, plus strand): 5'-GTCACGGCCCACAGGGCGGGGCTGGCTTGGTGAGGGGTCTGGGTGGGGCCCAGGGCCTGC[C>T]GGGCAGCCTTACCTGGCGGTGCCGGAGGTAGTCCAGGGCAATCTGGACATTCTGCAGCTT-3'

ClinVar aggregate classification (germline): Benign. Review status: criteria provided, multiple submitters, no conflicts (2 of 4 stars). 6 submissions from 6 submitters: Benign (4). 2 of the submissions do not count toward it. Last evaluated 2026-02-02.

Conditions:
Autosomal recessive limb-girdle muscular dystrophy type 2Q (LGMDR17). Also called: MUSCULAR DYSTROPHY, LIMB-GIRDLE, AUTOSOMAL RECESSIVE 17. Identifiers: Orphanet 254361, MedGen C3150989, MONDO:0013390, OMIM 613723.
Epidermolysis bullosa simplex, Ogna type (EBS5A). Also called: Pidermolysis bullosa simplex 5A, Ogna type; EPIDERMOLYSIS BULLOSA SIMPLEX 5A, OGNA TYPE. Identifiers: Orphanet 79401, MedGen C0432317, MONDO:0007555, OMIM 131950.
Epidermolysis bullosa simplex 5C, with pyloric atresia (EBS5C). Also called: PLEC-Related Epidermolysis Bullosa with Pyloric Atresia; Epidermolysis bullosa simplex with pyloric atresia; PLEC1-Related Epidermolysis Bullosa with Pyloric Atresia. Identifiers: Orphanet 158684, MedGen C2677349, MONDO:0012807, OMIM 612138.
Epidermolysis bullosa simplex 5B, with muscular dystrophy (EBS5B). Also called: Epidermolysis bullosa simplex with muscular dystrophy; EPIDERMOLYSIS BULLOSA SIMPLEX AND LIMB-GIRDLE MUSCULAR DYSTROPHY. Identifiers: Orphanet 257, MedGen C2931072, MONDO:0009181, OMIM 226670.
Epidermolysis bullosa simplex with nail dystrophy (EBS5D). Identifiers: MedGen C4225309, MONDO:0014661, OMIM 616487.

Allele frequency attached by ClinVar (database versions not stated): gnomAD exomes 0.00810; ExAC 0.00917; 1000 Genomes Project 0.01717; 1000 Genomes Project 30x 0.01733; gnomAD 0.01824 and 0.01917; ESP Exome Variant Server 0.02002; TOPMed 0.02016.
gnomAD v4.1: 12,336 of 1,611,554 alleles (0.77%); highest among the groups gnomAD compares: African/African-American, 5.3%; 144 homozygotes.

Submissions (6):

Labcorp Genetics (formerly Invitae), Labcorp
Classification: Benign for Autosomal recessive limb-girdle muscular dystrophy type 2Q; Epidermolysis bullosa simplex, Ogna type; Epidermolysis bullosa simplex with nail dystrophy; Epidermolysis bullosa simplex 5C, with pyloric atresia; Epidermolysis bullosa simplex 5B, with muscular dystrophy. Last evaluated: 2026-02-02. Review status: criteria provided, single submitter. Criteria: Invitae Variant Classification Sherloc (09022015). Collection method: clinical testing. Allele origin: germline.

GeneDx
Classification: Benign. Last evaluated: 2016-01-29. Review status: criteria provided, single submitter. Criteria: GeneDx Variant Classification (06012015). Collection method: clinical testing. Allele origin: germline. Affected: yes.
Comment: This variant is considered likely benign or benign based on one or more of the following criteria: it is a conservative change, it occurs at a poorly conserved position in the protein, it is predicted to be benign by multiple in silico algorithms, and/or has population frequency not consistent with disease.

Laboratory for Molecular Medicine, Mass General Brigham Personalized Medicine
Classification: Benign. Last evaluated: 2014-11-24. Review status: criteria provided, single submitter. Criteria: LMM Criteria. Collection method: clinical testing. Allele origin: germline. Observed: 2 variant alleles.
Comment: 753+13G>A in intron 4 of PLEC: This variant is not expected to have clinical sig nificance because it is not located within the conserved splice consensus sequen ce. It has been identified in 4.8% (205/4280) of African American chromosomes fr om a broad population by the NHLBI Exome Sequencing Project (dbSNP rs115664009).

Breakthrough Genomics
Classification: Benign. Review status: criteria provided, single submitter. Criteria: ACMG Guidelines, 2015. Collection method: not provided. Allele origin: germline. Inheritance: Autosomal recessive inheritance. Affected: yes.

Clinical Genetics, Academic Medical Center
Classification: Benign. Review status: no assertion criteria provided. Collection method: clinical testing. Allele origin: germline. Affected: yes. Study: VKGL Data-share Consensus. Not counted in ClinVar's aggregate classification.

Laboratory of Diagnostic Genome Analysis, Leiden University Medical Center (LUMC)
Classification: Likely benign. Review status: no assertion criteria provided. Collection method: clinical testing. Allele origin: germline. Affected: yes. Study: VKGL Data-share Consensus. Not counted in ClinVar's aggregate classification.